The following is an entry in ClinVar:

ClinVar aggregate classification (germline): Uncertain significance (1 of 4 stars; one submission).

Submission:

Labcorp Genetics (formerly Invitae), Labcorp
Classification: Uncertain significance. Last evaluated: 2023-12-22. Review status: criteria provided, single submitter. Criteria: Invitae Variant Classification Sherloc (09022015). Collection method: clinical testing. Allele origin: germline.
Comment: This variant, c.1121_1122insACC, results in the insertion of 1 amino acid(s) of the PRDM13 protein (p.Pro378dup), but otherwise preserves the integrity of the reading frame. This variant is present in population databases (no rsID available, gnomAD 0.02%). This variant has not been reported in the literature in individuals affected with PRDM13-related conditions. In summary, the available evidence is currently insufficient to determine the role of this variant in disease. Therefore, it has been classified as a Variant of Uncertain Significance.

NM_021620.4(PRDM13):c.1121_1122insACC (p.Pro378_Gly379insPro)

Genes: PRDM13 (PR/SET domain 13; plus strand), LOC129996881 (ATAC-STARR-seq lymphoblastoid silent region 17422; plus strand). Cytogenetic location: 6q16.2.
Variant type: Insertion.
Coding change: c.1121_1122insACC on transcript NM_021620.4 (MANE Select); coding-DNA positions 1121 to 1122, ACC inserted.
Protein change: p.Pro378_Gly379insPro.
Molecular consequence: inframe insertion.
Genome position: GRCh38 VCF-style: chr6-99613754-G-GCCA. GRCh37 (hg19) VCF-style: chr6-100061630-G-GCCA.
Identifiers: ClinVar variation 2779889 (VCV002779889.3), dbSNP rs1351478085, ClinGen allele CA569097809.